The following is an entry in ClinVar:

NM_000400.4(ERCC2):c.428G>A (p.Arg143Gln)

Gene: ERCC2 (ERCC excision repair 2, TFIIH core complex helicase subunit; minus strand). Cytogenetic location: 19q13.32.
Variant type: single nucleotide variant.
Coding change: c.428G>A on transcript NM_000400.4 (MANE Select); coding-DNA position 428, G replaced by A.
Protein change: p.Arg143Gln; replaces arginine 143 with glutamine.
Molecular consequence: missense variant.
Genome position (GRCh38, 1-based): chr19:45,365,091, C>T on the plus strand (G>A on the coding strand, the complement: ERCC2 is on the minus strand). VCF-style: chr19-45365091-C-T. GRCh37 (hg19) VCF-style: chr19-45868349-C-T.
Other names: c.356G>A, p.Arg119Gln (NM_001130867.2); short protein forms R119Q, R143Q.
Identifiers: ClinVar variation 1319432 (VCV001319432.8), dbSNP rs150000483, ClinGen allele CA9513791.

ClinVar aggregate classification (germline): Conflicting classifications of pathogenicity. Review status: criteria provided, conflicting classifications (1 of 4 stars). 3 submissions from 3 submitters: Uncertain significance (2); Likely benign (1). Last evaluated 2026-01-25.

Conditions:
Xeroderma pigmentosum (XP). Identifiers: Orphanet 910, MedGen C0043346, MONDO:0019600.

Allele frequency attached by ClinVar (database versions not stated): gnomAD exomes 0.00005 and 0.00013; TOPMed 0.00005; gnomAD 0.00008; ExAC 0.00013; ESP Exome Variant Server 0.00031.
gnomAD v4.1: 93 of 1,614,042 alleles (0.0058%); highest among the groups gnomAD compares: East Asian, 0.011%; no homozygotes.

Submissions (3):

Labcorp Genetics (formerly Invitae), Labcorp
Classification: Likely benign. Last evaluated: 2026-01-25. Review status: criteria provided, single submitter. Criteria: Invitae Variant Classification Sherloc (09022015). Collection method: clinical testing. Allele origin: germline.

Sema4
Classification: Uncertain significance for Xeroderma pigmentosum. Last evaluated: 2021-11-26. Review status: criteria provided, single submitter. Criteria: Sema4 Curation Guidelines. Collection method: curation. Allele origin: germline.
Comment: The ERCC2 c.428G>A (p.R143Q) variant has not been reported in the literature to our knowledge. It was observed in 24/10356 chromosomes of the Ashkenazi Jewish (ASJ) subpopulation in the large and broad cohorts of the Genome Aggregation Database (PMID: 32461654). This variant has been reported in ClinVar (Variation ID 319432). Functional studies have not been performed, and in silico predictions of the variant's effect on protein function are inconclusive. The evidence is insufficient to meet ACMG/AMP criteria for classifying the variant as benign or pathogenic. Thus, the clinical significance of this variant is currently uncertain.

Institute for Clinical Genetics, University Hospital TU Dresden, University Hospital TU Dresden
Classification: Uncertain significance. Last evaluated: 2021-11-03. Review status: criteria provided, single submitter. Criteria: ACMG Guidelines, 2015. Collection method: clinical testing. Allele origin: germline.